The following is an entry in ClinVar:

NM_000533.5(PLP1):c.380G>C (p.Arg127Thr)

Genes: RAB9B (RAB9B, member RAS oncogene family; minus strand), PLP1 (proteolipid protein 1; plus strand). Cytogenetic location: Xq22.2.
Variant type: single nucleotide variant.
Coding change: c.380G>C on transcript NM_000533.5 (MANE Select); coding-DNA position 380, G replaced by C.
Protein change: p.Arg127Thr; replaces arginine 127 with threonine.
Molecular consequence: missense variant. On other transcripts: intron variant (1).
Genome position (GRCh38, 1-based): chrX:103,786,653, G>C. VCF-style: chrX-103786653-G-C. GRCh37 (hg19) VCF-style: chrX-103041582-G-C.
Other names: c.380G>C, p.Arg127Thr (NM_001128834.3); c.215G>C, p.Arg72Thr (NM_001305004.1); c.348+32G>C (NM_199478.3); short protein forms R127T, R72T.
Identifiers: ClinVar variation 464805 (VCV000464805.10), dbSNP rs1556267201, ClinGen allele CA414102811.
Genomic context (GRCh38, chrX:103,786,653, plus strand): 5'-CCATCTGCGGCAAGGGCCTGAGCGCAACGGTAACAGGGGGCCAGAAGGGGAGGGGTTCCA[G>C]AGGCCAACATCAAGCTCATTCTTTGGAGCGGGTGTGTCATTGTTTGGGAAAATGGCTAGG-3'
Protein context (NP_000524.3, residues 117-137): VTGGQKGRGS[Arg127Thr]GQHQAHSLER

ClinVar aggregate classification (germline): Uncertain significance (1 of 4 stars; one submission).

Conditions:
Hereditary spastic paraplegia 2 (SPG2). Also called: SPASTIC PARAPLEGIA 2, X-LINKED; Spastic Paraplegia 2 (SPG2). Identifiers: Orphanet 99015, MedGen C0751604, MONDO:0010733, OMIM 312920.

Submission:

Labcorp Genetics (formerly Invitae), Labcorp
Classification: Uncertain significance for Hereditary spastic paraplegia 2. Last evaluated: 2023-01-19. Review status: criteria provided, single submitter. Criteria: Invitae Variant Classification Sherloc (09022015). Collection method: clinical testing. Allele origin: germline.
Comment: This sequence change replaces arginine, which is basic and polar, with threonine, which is neutral and polar, at codon 127 of the PLP1 protein (p.Arg127Thr). This variant is not present in population databases (gnomAD no frequency). This variant has not been reported in the literature in individuals affected with PLP1-related conditions. ClinVar contains an entry for this variant (Variation ID: 464805). Algorithms developed to predict the effect of missense changes on protein structure and function are either unavailable or do not agree on the potential impact of this missense change (SIFT: "Deleterious"; PolyPhen-2: "Benign"; Align-GVGD: "Class C0"). In summary, the available evidence is currently insufficient to determine the role of this variant in disease. Therefore, it has been classified as a Variant of Uncertain Significance.